The following is an entry in ClinVar:

ClinVar aggregate classification (germline): Likely pathogenic (1 of 4 stars; one submission).

Allele frequency attached by ClinVar (database versions not stated): gnomAD exomes below 0.00001; gnomAD 0.00001; TOPMed 0.00002.
gnomAD v4.1: 3 of 1,602,588 alleles (0.00019%); highest among the groups gnomAD compares: Non-Finnish European, 0.00025%; no homozygotes.

Submission:

Labcorp Genetics (formerly Invitae), Labcorp
Classification: Likely pathogenic. Last evaluated: 2024-10-21. Review status: criteria provided, single submitter. Criteria: Invitae Variant Classification Sherloc (09022015). Collection method: clinical testing. Allele origin: germline.
Comment: This sequence change affects a donor splice site in intron 4 of the TNFRSF11A gene. It is expected to disrupt RNA splicing. Variants that disrupt the donor or acceptor splice site typically lead to a loss of protein function (PMID: 16199547), and loss-of-function variants in TNFRSF11A are known to be pathogenic (PMID: 10677500, 18606301, 22271396). This variant is present in population databases (no rsID available, gnomAD 0.002%). This variant has not been reported in the literature in individuals affected with TNFRSF11A-related conditions. ClinVar contains an entry for this variant (Variation ID: 1518315). Algorithms developed to predict the effect of sequence changes on RNA splicing suggest that this variant may disrupt the consensus splice site. In summary, the currently available evidence indicates that the variant is pathogenic, but additional data are needed to prove that conclusively. Therefore, this variant has been classified as Likely Pathogenic.

Literature cited by the submitters: PubMed 16199547; PubMed 10677500; PubMed 18606301; PubMed 22271396.

NM_003839.4(TNFRSF11A):c.427+1G>A

Gene: TNFRSF11A (TNF receptor superfamily member 11a; plus strand). Cytogenetic location: 18q21.33.
Variant type: single nucleotide variant.
Coding change: c.427+1G>A on transcript NM_003839.4 (MANE Select); the canonical splice donor site of the intron after coding-DNA position 427, G replaced by A.
Molecular consequence: splice donor variant.
Genome position (GRCh38, 1-based): chr18:62,354,535, G>A. VCF-style: chr18-62354535-G-A. GRCh37 (hg19) VCF-style: chr18-60021768-G-A.
Other names: c.427+1G>A (NM_001270949.2, NM_001270950.2, NM_001270951.2 and 1 more transcripts).
Identifiers: ClinVar variation 1518315 (VCV001518315.8), dbSNP rs1405850813, ClinGen allele CA402612549.
Genomic context (GRCh38, chr18:62,354,535, plus strand): 5'-ACTGCGAGTGCTGCCGCCGCAACACCGAGTGCGCGCCGGGCCTGGGCGCCCAGCACCCGT[G>A]TACGGGTTGGATGTGTGCGTCTGTCGGCTCTTGCTGAGCCATGCAAAGCCAGCTTTGAGA-3'